The following is an entry in ClinVar:

NM_000018.4(ACADVL):c.138+10C>G

Genes: ACADVL (acyl-CoA dehydrogenase very long chain; plus strand), LOC130060113 (ATAC-STARR-seq lymphoblastoid silent region 8088; plus strand). Cytogenetic location: 17p13.1.
Variant type: single nucleotide variant.
Coding change: c.138+10C>G on transcript NM_000018.4 (MANE Select); 10 bases into the intron after coding-DNA position 138, C replaced by G.
Molecular consequence: intron variant.
Genome position (GRCh38, 1-based): chr17:7,220,207, C>G. VCF-style: chr17-7220207-C-G. GRCh37 (hg19) VCF-style: chr17-7123526-C-G.
Other names: c.207+10C>G (NM_001270447.2); c.-91+10C>G (NM_001270448.2); c.138+10C>G (NM_001033859.3).
Identifiers: ClinVar variation 388142 (VCV000388142.13), dbSNP rs1057523013, ClinGen allele CA16607868.
Genomic context (GRCh38, chr17:7,220,207, plus strand): 5'-CAGCCCCGGCCCGGCCCTGCCCGGCGGCCCTATGCCGGGGGTGCCGCTCAGGTAAGTCAC[C>G]GCAGCCTTGGCAAGGGGGTGTGGGAGCGGCGGTCCGCTTCGGCGCCCGCCATCGGCAGGG-3'

ClinVar aggregate classification (germline): Likely benign. Review status: reviewed by expert panel (3 of 4 stars). 3 submissions from 3 submitters: Likely benign (1). 2 of the submissions do not count toward it. Last evaluated 2026-02-24.

Conditions:
Very long chain acyl-CoA dehydrogenase deficiency (ACADVLD). Also called: Very Long-Chain Acyl-Coenzyme A Dehydrogenase Deficiency; VLCAD Deficiency. Identifiers: Orphanet 26793, MedGen C3887523, MONDO:0008723, OMIM 201475.

Allele frequency attached by ClinVar (database versions not stated): gnomAD exomes 0.00002.
gnomAD v4.1: 6 of 1,530,996 alleles (0.00039%); highest among the groups gnomAD compares: Admixed American, 0.002%; no homozygotes.

Submissions (3):

ClinGen ACADVL Variant Curation Expert Panel, ClinGen
Classification: Likely benign for Very long chain acyl-CoA dehydrogenase deficiency. Last evaluated: 2026-02-24. Review status: reviewed by expert panel. Criteria: ClinGen ACADVL ACMG Specifications ACADVL V2.1. Collection method: curation. Allele origin: germline. Inheritance: Autosomal recessive inheritance.
Comment: The c.138+10C>G (NM_000018.4) variant in ACADVL is an intronic variant which occurs in intron 2 and is not predicted by SpliceAI to impact splicing (BP4, BP7). To our knowledge, this variant has not been reported in the literature in any individuals with very long chain acyl CoA dehydrogenase (VLCAD) deficiency. The highest population minor allele frequency in gnomAD v4.1 is 0.00001973 in the Admixed American population which is lower than the ClinGen ACADVL Variant Curation Expert Panel threshold (<0.001) for PM2_Supporting, however, this is not considered conflicting evidence with BP4 and BP7. In summary, this variant meets the criteria to be classified as likely benign for autosomal recessive VLCAD deficiency based on the ACMG/AMP criteria applied, as specified by the ClinGen ACADVL Variant Curation Expert Panel: BP4, BP7, PM2_Supporting (ACADVL VCEP specifications version 2.1.0; approved September 4, 2025).

Labcorp Genetics (formerly Invitae), Labcorp
Classification: Likely benign for Very long chain acyl-CoA dehydrogenase deficiency. Last evaluated: 2025-12-09. Review status: criteria provided, single submitter. Criteria: Invitae Variant Classification Sherloc (09022015). Collection method: clinical testing. Allele origin: germline. Not counted in ClinVar's aggregate classification.

GeneDx
Classification: Likely benign. Last evaluated: 2016-07-26. Review status: criteria provided, single submitter. Criteria: GeneDx Variant Classification (06012015). Collection method: clinical testing. Allele origin: germline. Affected: yes. Not counted in ClinVar's aggregate classification.
Comment: This variant is considered likely benign or benign based on one or more of the following criteria: it is a conservative change, it occurs at a poorly conserved position in the protein, it is predicted to be benign by multiple in silico algorithms, and/or has population frequency not consistent with disease.